The following is an entry in ClinVar:

NM_153704.6(TMEM67):c.1322G>T (p.Arg441Leu)

Gene: TMEM67 (transmembrane protein 67; plus strand). Cytogenetic location: 8q22.1.
Variant type: single nucleotide variant.
Coding change: c.1322G>T on transcript NM_153704.6 (MANE Select); coding-DNA position 1322, G replaced by T.
Protein change: p.Arg441Leu; replaces arginine 441 with leucine.
Molecular consequence: missense variant. On other transcripts: non-coding transcript variant (1).
Genome position (GRCh38, 1-based): chr8:93,786,256, G>T. VCF-style: chr8-93786256-G-T. GRCh37 (hg19) VCF-style: chr8-94798484-G-T.
Other names: c.1079G>T, p.Arg360Leu (NM_001142301.1); short protein forms R360L, R441L.
Identifiers: ClinVar variation 56765 (VCV000056765.10), dbSNP rs386834183, ClinGen allele CA144439.

ClinVar aggregate classification (germline): Pathogenic/Likely pathogenic. Review status: criteria provided, multiple submitters, no conflicts (2 of 4 stars). 3 submissions from 3 submitters: Pathogenic (1); Likely pathogenic (1). 1 of the submissions does not count toward it. Last evaluated 2026-01-18.

Conditions:
COACH syndrome 1. Identifiers: Orphanet 1454, MedGen C5435651, MONDO:0800103, OMIM 216360, MONDO:0008996.
Joubert syndrome 6 (JBTS6). Identifiers: Orphanet 475, MedGen C1853153, MONDO:0012539, OMIM 610688.
Bardet-Biedl syndrome 14 (BBS14). Identifiers: Orphanet 110, MedGen C2673874, MONDO:0014442, OMIM 615991.
RHYNS syndrome. Also called: RETINITIS PIGMENTOSA SYNDROME; RETINITIS PIGMENTOSA, HYPOPITUITARISM, NEPHRONOPHTHISIS, AND MILD SKELETAL DYSPLASIA. Identifiers: Orphanet 140976, MedGen C1865794, MONDO:0011202, OMIM 602152.
Meckel syndrome, type 3 (MKS3). Also called: MECKEL-GRUBER SYNDROME, TYPE 3. Identifiers: Orphanet 564, MedGen C1846357, MONDO:0011821, OMIM 607361.
Nephronophthisis 11 (NPHP11). Identifiers: Orphanet 84081, MedGen C3150796, MONDO:0013302, OMIM 613550.
Meckel-Gruber syndrome. Also called: DYSENCEPHALIA SPLANCHNOCYSTICA; GRUBER SYNDROME; Dysencephalia splachnocystica. Identifiers: Orphanet 564, MedGen C0265215, MONDO:0018921.
Joubert syndrome. Also called: CEREBELLOPARENCHYMAL DISORDER IV; JOUBERT-BOLTSHAUSER SYNDROME; Familial aplasia of the vermis. Identifiers: Orphanet 475, MedGen C5979921, MONDO:0018772.

Allele frequency attached by ClinVar (database versions not stated): TOPMed 0.00002.
gnomAD v4.1: 19 of 1,613,752 alleles (0.0012%); highest among the groups gnomAD compares: Non-Finnish European, 0.0014%; no homozygotes.

Submissions (3):

Labcorp Genetics (formerly Invitae), Labcorp
Classification: Likely pathogenic for Joubert syndrome; Meckel-Gruber syndrome. Last evaluated: 2026-01-18. Review status: criteria provided, single submitter. Criteria: Invitae Variant Classification Sherloc (09022015). Collection method: clinical testing. Allele origin: germline.
Comment: This sequence change replaces arginine, which is basic and polar, with leucine, which is neutral and non-polar, at codon 441 of the TMEM67 protein (p.Arg441Leu). This variant is not present in population databases (gnomAD no frequency). This missense change has been observed in individual(s) with Meckel-Gruber syndrome (PMID: 20232449). ClinVar contains an entry for this variant (Variation ID: 56765). Invitae Evidence Modeling of protein sequence and biophysical properties (such as structural, functional, and spatial information, amino acid conservation, physicochemical variation, residue mobility, and thermodynamic stability) indicates that this missense variant is expected to disrupt TMEM67 protein function with a positive predictive value of 95%. Algorithms developed to predict the effect of sequence changes on RNA splicing suggest that this variant may disrupt the consensus splice site. This variant disrupts the p. Arg441 amino acid residue in TMEM67. Other variant(s) that disrupt this residue have been determined to be pathogenic (PMID: 19574260, 23351400). This suggests that this residue is clinically significant, and that variants that disrupt this residue are likely to be disease-causing. In summary, the currently available evidence indicates that the variant is pathogenic, but additional data are needed to prove that conclusively. Therefore, this variant has been classified as Likely Pathogenic.

Department of Pathology and Laboratory Medicine, Sinai Health System
Classification: Pathogenic for COACH syndrome 1; RHYNS syndrome; Meckel syndrome, type 3; Joubert syndrome 6; Nephronophthisis 11; Bardet-Biedl syndrome 14. Last evaluated: 2023-04-03. Review status: criteria provided, single submitter. Criteria: ACMG Guidelines, 2015. Collection method: research. Allele origin: germline.

Juha Muilu Group; Institute for Molecular Medicine Finland (FIMM)
Classification: Likely pathogenic for Meckel syndrome type 3. Review status: no assertion criteria provided. Collection method: not provided. Allele origin: unknown. Not counted in ClinVar's aggregate classification.
Comment: FinDis database variant: This variant was not found or characterized by our laboratory, data were collected from public sources: see reference
ClinVar note: Converted during submission from probable-pathogenic to Likely pathogenic.

Literature cited by the submitters: PubMed 20232449 (cited by Labcorp Genetics (formerly Invitae), Labcorp); PubMed 19574260 (cited by Labcorp Genetics (formerly Invitae), Labcorp); PubMed 23351400 (cited by Labcorp Genetics (formerly Invitae), Labcorp).